The following is an entry in ClinVar:

ClinVar aggregate classification (germline): Uncertain significance (1 of 4 stars; one submission).

Submission:

GeneDx
Classification: Uncertain significance. Last evaluated: 2023-10-09. Review status: criteria provided, single submitter. Criteria: GeneDx Variant Classification Process June 2021. Collection method: clinical testing. Allele origin: germline. Affected: yes.
Comment: Has not been previously published as pathogenic or benign to our knowledge; Not observed at significant frequency in large population cohorts (gnomAD); In silico analysis supports that this missense variant does not alter protein structure/function

NM_006593.4(TBR1):c.308A>G (p.Asp103Gly)

Gene: TBR1 (T-box brain transcription factor 1; plus strand). Cytogenetic location: 2q24.2.
Variant type: single nucleotide variant.
Coding change: c.308A>G on transcript NM_006593.4 (MANE Select); coding-DNA position 308, A replaced by G.
Protein change: p.Asp103Gly; replaces aspartic acid 103 with glycine.
Molecular consequence: missense variant.
Genome position (GRCh38, 1-based): chr2:161,416,718, A>G. VCF-style: chr2-161416718-A-G. GRCh37 (hg19) VCF-style: chr2-162273229-A-G.
Other names: short protein forms D103G.
Identifiers: ClinVar variation 2662805 (VCV002662805.1), dbSNP rs1559059914, ClinGen allele CA349211110.